The following is an entry in ClinVar:

NM_022436.3(ABCG5):c.1172T>A (p.Leu391His)

Genes: ABCG5 (ATP binding cassette subfamily G member 5; minus strand), DYNC2LI1 (dynein cytoplasmic 2 light intermediate chain 1; plus strand). Cytogenetic location: 2p21.
Variant type: single nucleotide variant.
Coding change: c.1172T>A on transcript NM_022436.3 (MANE Select); coding-DNA position 1172, T replaced by A.
Protein change: p.Leu391His; replaces leucine 391 with histidine.
Molecular consequence: missense variant. On other transcripts: intron variant (2).
Genome position (GRCh38, 1-based): chr2:43,824,065, A>T on the plus strand (T>A on the coding strand, the complement: ABCG5 is on the minus strand). VCF-style: chr2-43824065-A-T. GRCh37 (hg19) VCF-style: chr2-44051204-A-T.
Other names: c.*16-3321A>T (NM_001348912.2, NM_001348913.2); short protein forms L391H.
Identifiers: ClinVar variation 4842049 (VCV004842049.1).
Genomic context (GRCh38, chr2:43,824,065, plus strand): 5'-ACATTGCTTCGGACCCGCAGAACGAAGAAAAGGAGGAACAAACCCATGATCAGATTCTGA[A>T]GGAGACGCGTAATCACTGCCAGCTTATTTCTCACCAAGTTTCTTGTCACTCTCCTGAAAA-3'
Protein context (NP_071881.1, residues 381-401): RNKLAVITRL[Leu391His]QNLIMGLFLL

ClinVar aggregate classification (germline): Uncertain significance (1 of 4 stars; one submission).

Conditions:
Cardiovascular phenotype. Identifiers: MedGen CN230736.

Submission:

Ambry Genetics
Classification: Uncertain significance for Cardiovascular phenotype. Last evaluated: 2025-12-19. Review status: criteria provided, single submitter. Criteria: Ambry Variant Classification Scheme 2023. Collection method: clinical testing. Allele origin: germline.
Comment: The p.L391H variant (also known as c.1172T>A), located in coding exon 9 of the ABCG5 gene, results from a T to A substitution at nucleotide position 1172. The leucine at codon 391 is replaced by histidine, an amino acid with similar properties. This amino acid position is conserved. In addition, this alteration is predicted to be tolerated by in silico analysis. Based on the available evidence, the clinical significance of this variant remains unclear.